The following is an entry in ClinVar:

NM_004260.4(RECQL4):c.1267G>T (p.Glu423Ter)

Gene: RECQL4 (RecQ like helicase 4; minus strand). Cytogenetic location: 8q24.3.
Variant type: single nucleotide variant.
Coding change: c.1267G>T on transcript NM_004260.4 (MANE Select); coding-DNA position 1267, G replaced by T.
Protein change: p.Glu423Ter; replaces glutamic acid 423 with a stop codon.
Molecular consequence: nonsense.
Genome position (GRCh38, 1-based): chr8:144,515,449, C>A on the plus strand (G>T on the coding strand, the complement: RECQL4 is on the minus strand). VCF-style: chr8-144515449-C-A. GRCh37 (hg19) VCF-style: chr8-145740833-C-A.
Other names: short protein forms E423*.
Identifiers: ClinVar variation 936133 (VCV000936133.6), dbSNP rs1828019195, ClinGen allele CA372686032.
Genomic context (GRCh38, chr8:144,515,449, plus strand): 5'-CCTCAGGTACAGGTTGTGGTGAAGGAACCAGTGGCTCAGGCCCAACAGCATCTGTGTCTT[C>A]CTCACTTGCTGGGGCAGGCAGGAGAGGGTAGAATGGGAGCTCCAGGTCGGGCAAGACAAC-3'

ClinVar aggregate classification (germline): Pathogenic (1 of 4 stars; one submission).

Conditions:
Baller-Gerold syndrome (BGS). Also called: CRANIOSYNOSTOSIS WITH RADIAL DEFECTS. Identifiers: Orphanet 1225, MedGen C0265308, MONDO:0009039, OMIM 218600.

Submission:

Labcorp Genetics (formerly Invitae), Labcorp
Classification: Pathogenic for Baller-Gerold syndrome. Last evaluated: 2023-07-17. Review status: criteria provided, single submitter. Criteria: Invitae Variant Classification Sherloc (09022015). Collection method: clinical testing. Allele origin: germline.
Comment: This sequence change creates a premature translational stop signal (p.Glu423*) in the RECQL4 gene. It is expected to result in an absent or disrupted protein product. Loss-of-function variants in RECQL4 are known to be pathogenic (PMID: 12734318, 12952869). This variant is not present in population databases (gnomAD no frequency). For these reasons, this variant has been classified as Pathogenic. ClinVar contains an entry for this variant (Variation ID: 936133). This variant has not been reported in the literature in individuals affected with RECQL4-related conditions.

Literature cited by the submitters: PubMed 12734318; PubMed 12952869.